The following is an entry in ClinVar:

NM_152558.5(IQCE):c.1725G>T (p.Val575=)

Gene: IQCE (IQ motif containing E; plus strand). Cytogenetic location: 7p22.3.
Variant type: single nucleotide variant.
Coding change: c.1725G>T on transcript NM_152558.5 (MANE Select); coding-DNA position 1725, G replaced by T.
Protein change: p.Val575=; no amino-acid change (valine 575 retained).
Molecular consequence: synonymous variant.
Genome position (GRCh38, 1-based): chr7:2,604,973, G>T. VCF-style: chr7-2604973-G-T. GRCh37 (hg19) VCF-style: chr7-2644607-G-T.
Other names: c.1725G>T, p.Val575= (NM_001287499.2); c.1677G>T, p.Val559= (NM_001287500.2); c.1530G>T, p.Val510= (NM_001287501.2, NM_001287502.2); c.1725G>T (NM_152558.4).
Identifiers: ClinVar variation 1300123 (VCV001300123.4), dbSNP rs2293405, ClinGen allele CA4129427.

ClinVar aggregate classification (germline): Benign. Review status: criteria provided, single submitter (1 of 4 stars). 2 submissions from 2 submitters: Benign (1). 1 of the submissions does not count toward it. Last evaluated 2021-08-19.

Conditions:
IQCE-related disorder. Also called: IQCE-related condition.
Polydactyly, postaxial, type a7. Identifiers: MedGen C4539976, MONDO:0060550, OMIM 617642.

Allele frequency attached by ClinVar (database versions not stated): 1000 Genomes Project 0.10643; 1000 Genomes Project 30x 0.10665; ExAC 0.12615; ESP Exome Variant Server 0.12716; gnomAD exomes 0.12769; gnomAD 0.12863 and 0.13038; TOPMed 0.13197.
gnomAD v4.1: 225,807 of 1,610,640 alleles (14%); highest among the groups gnomAD compares: Middle Eastern, 17%; 16,309 homozygotes.

Submissions (2):

Genome-Nilou Lab
Classification: Benign for Polydactyly, postaxial, type a7. Last evaluated: 2021-08-19. Review status: criteria provided, single submitter. Criteria: ACMG Guidelines, 2015. Collection method: clinical testing. Allele origin: germline. Affected: no.

PreventionGenetics, part of Exact Sciences
Classification: Benign for IQCE-related condition. Last evaluated: 2019-10-21. Review status: no assertion criteria provided. Collection method: clinical testing. Allele origin: germline. Not counted in ClinVar's aggregate classification.
Comment: This variant is classified as benign based on ACMG/AMP sequence variant interpretation guidelines (Richards et al. 2015 PMID: 25741868, with internal and published modifications).